The following is an entry in ClinVar:

ClinVar aggregate classification (germline): Uncertain significance (1 of 4 stars; one submission).

Submission:

Ambry Genetics
Classification: Uncertain significance. Last evaluated: 2025-07-12. Review status: criteria provided, single submitter. Criteria: Ambry Variant Classification Scheme 2023. Collection method: clinical testing. Allele origin: germline.
Comment: The p.T278I variant (also known as c.833C>T), located in coding exon 6 of the RECQL gene, results from a C to T substitution at nucleotide position 833. The threonine at codon 278 is replaced by isoleucine, an amino acid with similar properties. This amino acid position is highly conserved in available vertebrate species. In addition, the in silico prediction for this alteration is inconclusive. Since supporting evidence is limited at this time, the clinical significance of this alteration remains unclear.

NM_002907.4(RECQL):c.833C>T (p.Thr278Ile)

Gene: RECQL (RecQ like helicase; minus strand). Cytogenetic location: 12p12.1.
Variant type: single nucleotide variant.
Coding change: c.833C>T on transcript NM_002907.4 (MANE Select); coding-DNA position 833, C replaced by T.
Protein change: p.Thr278Ile; replaces threonine 278 with isoleucine.
Molecular consequence: missense variant.
Genome position (GRCh38, 1-based): chr12:21,477,837, G>A on the plus strand (C>T on the coding strand, the complement: RECQL is on the minus strand). VCF-style: chr12-21477837-G-A. GRCh37 (hg19) VCF-style: chr12-21630771-G-A.
Other names: c.833C>T, p.Thr278Ile (NM_032941.3); short protein forms T278I.
Identifiers: ClinVar variation 1762987 (VCV001762987.3), dbSNP rs372732456, ClinGen allele CA384124138.